The following is an entry in ClinVar:

ClinVar aggregate classification (germline): Conflicting classifications of pathogenicity. Review status: criteria provided, conflicting classifications (1 of 4 stars). 12 submissions from 12 submitters: Uncertain significance (9); Likely benign (1). 2 of the submissions do not count toward it. Last evaluated 2026-09-11.

Conditions:
Hereditary cancer. Identifiers: MedGen C1333600.
Hereditary breast ovarian cancer syndrome. Also called: Hereditary breast and/or ovarian cancer syndrome; Hereditary breast and ovarian cancer; Hereditary breast and ovarian cancer syndrome (HBOC); Breast and ovarian cancer; BRCA1- and BRCA2-Associated Hereditary Breast and Ovarian Cancer; Hereditary breast and ovarian cancer syndrome. Identifiers: Orphanet 145, MedGen C0677776, MeSH D061325, MONDO:0003582. Disease mechanism: loss of function.
Hereditary cancer-predisposing syndrome. Also called: Hereditary neoplastic syndrome; Tumor predisposition; Neoplastic Syndromes, Hereditary; Hereditary Cancer Syndrome. Identifiers: Orphanet 140162, MedGen C0027672, MeSH D009386, MONDO:0015356.
Breast-ovarian cancer, familial, susceptibility to, 2 (BROVCA2). Also called: BRCA2 Hereditary Breast and Ovarian Cancer. Identifiers: Orphanet 145, MedGen C2675520, MONDO:0012933, OMIM 612555. Disease mechanism: loss of function.
Inherited breast cancer and ovarian cancer.
BRCA2-related cancer predisposition. Identifiers: MedGen CN377758, MONDO:0700269.

Allele frequency attached by ClinVar (database versions not stated): TOPMed below 0.00001; gnomAD 0.00001 and below 0.00001; gnomAD exomes below 0.00001.
gnomAD v4.1: 8 of 1,613,630 alleles (0.0005%); highest among the groups gnomAD compares: South Asian, 0.0066%; no homozygotes.

Submissions (12):

German Consortium for Hereditary Breast and Ovarian Cancer, University Hospital Cologne
Classification: Likely benign for Hereditary breast ovarian cancer syndrome. Last evaluated: 2026-09-11. Review status: criteria provided, single submitter. Criteria: ClinGen BRCA2 1.2.0. Collection method: curation. Allele origin: germline.
Comment: This classification follows the ClinGen ENIGMA BRCA2 v1.2.0 classification scheme; We chose these criteria: BP1 (strong benign): missense variant outside clinically important functional domain AND no splicing predicted (SpliceAI ≤0.1), BS1 (supporting benign): gnomAD v3.1.2 (non-cancer) Grpmax Filtering AF = 0.00007282 (= 0.007%, thus > 0.002%)

Cambridge Genomics Laboratory, East Genomic Laboratory Hub, NHS Genomic Medicine Service
Classification: Uncertain significance for Inherited breast cancer and ovarian cancer. Last evaluated: 2026-05-19. Review status: criteria provided, single submitter. Criteria: ACGS Best Practice Guidelines for Variant Classification in Rare Disease 2020. Collection method: clinical testing. Allele origin: germline. Affected: yes.

Labcorp Genetics (formerly Invitae), Labcorp
Classification: Uncertain significance for Hereditary breast ovarian cancer syndrome. Last evaluated: 2025-05-25. Review status: criteria provided, single submitter. Criteria: Invitae Variant Classification Sherloc (09022015). Collection method: clinical testing. Allele origin: germline.
Comment: This sequence change replaces histidine, which is basic and polar, with tyrosine, which is neutral and polar, at codon 2365 of the BRCA2 protein (p.His2365Tyr). This variant is not present in population databases (gnomAD no frequency). This missense change has been observed in individual(s) with hereditary breast and ovarian cancer (PMID: 32885271). ClinVar contains an entry for this variant (Variation ID: 232713). Invitae Evidence Modeling of protein sequence and biophysical properties (such as structural, functional, and spatial information, amino acid conservation, physicochemical variation, residue mobility, and thermodynamic stability) indicates that this missense variant is not expected to disrupt BRCA2 protein function with a negative predictive value of 95%. Experimental studies have shown that this missense change does not substantially affect BRCA2 function (PMID: 37922907). In summary, the available evidence is currently insufficient to determine the role of this variant in disease. Therefore, it has been classified as a Variant of Uncertain Significance.

GeneDx
Classification: Uncertain significance. Last evaluated: 2025-04-16. Review status: criteria provided, single submitter. Criteria: GeneDx Variant Classification Process June 2021. Collection method: clinical testing. Allele origin: germline. Affected: yes.
Comment: Observed in a patient suspected of having hereditary breast and ovarian cancer syndrome (PMID: 32885271); Published functional studies demonstrate cell viability and drug sensitivity comparable to wild type in mouse embryonic stem cells (PMID: 37922907); In silico analysis indicates that this missense variant does not alter protein structure/function; Not observed at significant frequency in large population cohorts (gnomAD); Also known as 7321C>T; This variant is associated with the following publications: (PMID: 31191615, 31131967, 31853058, 32885271, 37922907)

Women's Health and Genetics/Laboratory Corporation of America, LabCorp
Classification: Uncertain significance. Last evaluated: 2025-01-13. Review status: criteria provided, single submitter. Criteria: LabCorp Variant Classification Summary - May 2015. Collection method: clinical testing. Allele origin: germline.
Comment: Variant summary: BRCA2 c.7093C>T (p.His2365Tyr) results in a conservative amino acid change in the encoded protein sequence. Four of five in-silico tools predict a benign effect of the variant on protein function. The variant was absent in 251012 control chromosomes. The available data on variant occurrences in the general population are insufficient to allow any conclusion about variant significance. c.7093C>T has been reported in the literature in individuals suspected with Hereditary Breast And Ovarian Cancer Syndrome (example:Li_2019,Fraile-Bethencourt_2019). These report(s) do not provide unequivocal conclusions about association of the variant with Hereditary Breast And Ovarian Cancer Syndrome. At least one publication reported this variant was functional using a mouse embryonic stem cell (mESC)-based assay however, does not allow convincing conclusions about the variant effect (Biswas_2023). The following publications have been ascertained in the context of this evaluation (PMID: 31853058, 37922907, 31191615). ClinVar contains an entry for this variant (Variation ID: 232713). Based on the evidence outlined above, the variant was classified as uncertain significance.

All of Us Research Program, National Institutes of Health
Classification: Uncertain significance for BRCA2-related cancer predisposition. Last evaluated: 2024-07-29. Review status: criteria provided, single submitter. Criteria: ACMG Guidelines, 2015. Collection method: clinical testing. Allele origin: germline. Inheritance: Autosomal dominant inheritance. Observed: 1 variant allele, 1 heterozygote.
Comment: This missense variant replaces histidine with tyrosine at codon 2365 of the BRCA2 protein. Computational prediction suggests that this variant may not impact protein structure and function. To our knowledge, functional studies have not been reported for this variant. This variant has been reported in two individuals at risk for a BRCA2-associated cancer (PMID: 31853058, 32885271). This variant has not been identified in the general population by the Genome Aggregation Database (gnomAD). The available evidence is insufficient to determine the role of this variant in disease conclusively. Therefore, this variant is classified as a Variant of Uncertain Significance.

This study involves interpretation of variants in research participants for the purpose of population health screening. Participant phenotype was not available at the time of variant classification. Additional details can be found in publication PMID: 35346344, PMCID: PMC8962531

Color Diagnostics, LLC DBA Color Health
Classification: Uncertain significance for Hereditary cancer-predisposing syndrome. Last evaluated: 2024-06-20. Review status: criteria provided, single submitter. Criteria: ACMG Guidelines, 2015. Collection method: clinical testing. Allele origin: germline.
Comment: This missense variant replaces histidine with tyrosine at codon 2365 of the BRCA2 protein. Computational prediction suggests that this variant may not impact protein structure and function. To our knowledge, functional studies have not been reported for this variant. This variant has been reported in two individuals at risk for a BRCA2-associated cancer (PMID: 31853058, 32885271). This variant has not been identified in the general population by the Genome Aggregation Database (gnomAD). The available evidence is insufficient to determine the role of this variant in disease conclusively. Therefore, this variant is classified as a Variant of Uncertain Significance.

Mendelics
Classification: Uncertain significance for Hereditary cancer. Last evaluated: 2024-01-23. Review status: criteria provided, single submitter. Criteria: ACMG Guidelines, 2015. Collection method: clinical testing. Allele origin: unknown.

Ambry Genetics
Classification: Uncertain significance for Hereditary cancer-predisposing syndrome. Last evaluated: 2024-01-10. Review status: criteria provided, single submitter. Criteria: Ambry Variant Classification Scheme 2023. Collection method: clinical testing. Allele origin: germline.
Comment: The p.H2365Y variant (also known as c.7093C>T), located in coding exon 13 of the BRCA2 gene, results from a C to T substitution at nucleotide position 7093. The histidine at codon 2365 is replaced by tyrosine, an amino acid with similar properties. This variant was observed in 1/3251 individuals who met eligibility criteria for hereditary breast and ovarian cancer syndrome (Lerner-Ellis J et al. J Cancer Res Clin Oncol, 2021 Mar;147:871-879). This amino acid position is not well conserved in available vertebrate species. In addition, the in silico prediction for this alteration is inconclusive. Since supporting evidence is limited at this time, the clinical significance of this alteration remains unclear.

Quest Diagnostics Nichols Institute San Juan Capistrano
Classification: Uncertain significance. Last evaluated: 2023-06-27. Review status: criteria provided, single submitter. Criteria: Quest Diagnostics criteria. Collection method: clinical testing. Allele origin: unknown.
Comment: In the published literature, this variant has been briefly reported in a family at risk for a BRCA2 related cancer (PMID: 31853058 (2020)). The frequency of this variant in the general population, 0.000013 (2/152170 chromosomes (Genome Aggregation Database)), is uninformative in the assessment of its pathogenicity. Analysis of this variant using bioinformatics tools for the prediction of the effect of amino acid changes on protein structure and function yielded predictions that this variant is benign. Based on the available information, we are unable to determine the clinical significance of this variant.

BRCAlab, Lund University
Classification: Uncertain significance for Breast-ovarian cancer, familial, susceptibility to, 2. Last evaluated: 2020-03-02. Review status: no assertion criteria provided. Collection method: clinical testing. Allele origin: germline. Affected: yes. Not counted in ClinVar's aggregate classification.

Department of Pathology and Laboratory Medicine, Sinai Health System
Classification: Uncertain significance. Review status: no assertion criteria provided. Collection method: clinical testing. Allele origin: unknown. Affected: yes. Study: The Canadian Open Genetics Repository (COGR). Not counted in ClinVar's aggregate classification.
Comment: The BRCA2 p.His2365Tyr variant was not identified in the literature nor was it identified in the LOVD 3.0, or UMD-LSDB. The variant was identified in dbSNP (ID: rs876659943) as "With Uncertain significance allele", and in ClinVar (classified as uncertain significance by Invitae, Ambry Genetics and one clinical laboratory). The variant was not identified in the following control databases: the Exome Aggregation Consortium (August 8th 2016), or the Genome Aggregation Database (Feb 27, 2017). The p.His2365 residue is conserved in mammals and computational analyses (PolyPhen-2, SIFT, AlignGVGD, BLOSUM, MutationTaster) provide inconsistent predictions regarding the impact to the protein; this information is not very predictive of pathogenicity. The variant occurs outside of the splicing consensus sequence and in silico or computational prediction software programs (SpliceSiteFinder, MaxEntScan, NNSPLICE, GeneSplicer) do not predict a difference in splicing.In summary, based on the above information the clinical significance of this variant cannot be determined with certainty at this time. This variant is classified as a variant of uncertain significance.

Literature cited by the submitters: PubMed 32885271 (cited by 4 submitters); PubMed 37922907 (cited by Labcorp Genetics (formerly Invitae), Labcorp and Women's Health and Genetics/Laboratory Corporation of America, LabCorp); PubMed 31191615 (cited by Women's Health and Genetics/Laboratory Corporation of America, LabCorp); PubMed 31853058 (cited by 4 submitters); PubMed 31131967 (cited by Quest Diagnostics Nichols Institute San Juan Capistrano); PubMed 31911673 (cited by Quest Diagnostics Nichols Institute San Juan Capistrano); PubMed 26295337 (cited by Quest Diagnostics Nichols Institute San Juan Capistrano).

NM_000059.4(BRCA2):c.7093C>T (p.His2365Tyr)

Gene: BRCA2 (BRCA2 DNA repair associated; plus strand). Cytogenetic location: 13q13.1.
Variant type: single nucleotide variant.
Coding change: c.7093C>T on transcript NM_000059.4 (MANE Select); coding-DNA position 7093, C replaced by T.
Protein change: p.His2365Tyr; replaces histidine 2365 with tyrosine.
Molecular consequence: missense variant.
Genome position (GRCh38, 1-based): chr13:32,354,946, C>T. VCF-style: chr13-32354946-C-T. GRCh37 (hg19) VCF-style: chr13-32929083-C-T.
Other names: short protein forms H2365Y.
Identifiers: ClinVar variation 232713 (VCV000232713.26), dbSNP rs876659943, ClinGen allele CA10579723.